The following is an entry in ClinVar:

ClinVar aggregate classification (germline): Uncertain significance (1 of 4 stars; one submission).

Submission:

GeneDx
Classification: Uncertain significance. Last evaluated: 2017-07-12. Review status: criteria provided, single submitter. Criteria: GeneDx Variant Classification (06012015). Collection method: clinical testing. Allele origin: germline. Affected: yes.
Comment: A variant of uncertain significance has been identified in the KCNQ3 gene. The W308X variant has not been published as a pathogenic variant, nor has it been reported as a benign variant to our knowledge. The W308X variant is not observed in large population cohorts (Lek et al., 2016; 1000 Genomes Consortium et al., 2015; Exome Variant Server). The W308X variant is predicted to cause loss of normal protein function either through protein truncation or nonsense-mediated mRNA decay. However, to our knowledge, loss of-function variants have not been reported in KCNQ3 in association with epilepsy (Stenson et al., 2014). Therefore, based on the currently available information, it is unclear whether this variant is a pathogenic variant or a rare benign variant.

NM_004519.4(KCNQ3):c.924G>A (p.Trp308Ter)

Gene: KCNQ3 (potassium voltage-gated channel subfamily Q member 3; minus strand). Cytogenetic location: 8q24.22.
Variant type: single nucleotide variant.
Coding change: c.924G>A on transcript NM_004519.4 (MANE Select); coding-DNA position 924, G replaced by A.
Protein change: p.Trp308Ter; replaces tryptophan 308 with a stop codon.
Molecular consequence: nonsense.
Genome position (GRCh38, 1-based): chr8:132,175,462, C>T on the plus strand (G>A on the coding strand, the complement: KCNQ3 is on the minus strand). VCF-style: chr8-132175462-C-T. GRCh37 (hg19) VCF-style: chr8-133187709-C-T.
Other names: c.564G>A, p.Trp188Ter (NM_001204824.2); short protein forms W308*, W188*.
Identifiers: ClinVar variation 489032 (VCV000489032.2), dbSNP rs1554627423, ClinGen allele CA372290311.